The following is an entry in ClinVar:

ClinVar aggregate classification (germline): Uncertain significance. Review status: criteria provided, multiple submitters, no conflicts (2 of 4 stars). 2 submissions from 2 submitters: Uncertain significance (2). Last evaluated 2026-04-22.

Conditions:
Developmental and epileptic encephalopathy, 36 (DEE36). Also called: ALG13-CDG; Epileptic encephalopathy, early infantile, 36; Congenital disorder of glycosylation, type Is. Identifiers: Orphanet 324422, MedGen C4317295, MONDO:0010472, OMIM 300884.

gnomAD v4.1: 1 of 1,190,255 alleles (0.000084%); highest among the groups gnomAD compares: Admixed American, 0.0023%; no homozygotes.

Submissions (2):

Women's Health and Genetics/Laboratory Corporation of America, LabCorp
Classification: Uncertain significance. Last evaluated: 2026-04-22. Review status: criteria provided, single submitter. Criteria: LabCorp Variant Classification Summary - May 2015. Collection method: clinical testing. Allele origin: germline.
Comment: Variant summary: ALG13 c.2695+4G>A alters a conserved nucleotide located close to a canonical splice site and therefore could affect mRNA splicing, leading to a significantly altered protein sequence. Consensus agreement among computation tools predict no significant impact on normal splicing. However, these predictions have yet to be confirmed by functional studies. The variant was absent in 161406 control chromosomes. The available data on variant occurrences in the general population are insufficient to allow any conclusion about variant significance. To our knowledge, no occurrence of c.2695+4G>A in individuals affected with ALG13-related conditions and no experimental evidence demonstrating its impact on protein function have been reported. No submitters have cited clinical-significance assessments for this variant to ClinVar. Based on the evidence outlined above, the variant was classified as uncertain significance.

Labcorp Genetics (formerly Invitae), Labcorp
Classification: Uncertain significance for Developmental and epileptic encephalopathy, 36. Last evaluated: 2025-09-23. Review status: criteria provided, single submitter. Criteria: Invitae Variant Classification Sherloc (09022015). Collection method: clinical testing. Allele origin: germline.
Comment: This sequence change falls in intron 23 of the ALG13 gene. It does not directly change the encoded amino acid sequence of the ALG13 protein. It affects a nucleotide within the consensus splice site. This variant is not present in population databases (gnomAD no frequency). This variant has not been reported in the literature in individuals affected with ALG13-related conditions. Variants that disrupt the consensus splice site are a relatively common cause of aberrant splicing (PMID: 17576681, 9536098). Algorithms developed to predict the effect of sequence changes on RNA splicing suggest that this variant is not likely to affect RNA splicing. In summary, the available evidence is currently insufficient to determine the role of this variant in disease. Therefore, it has been classified as a Variant of Uncertain Significance.

Literature cited by the submitters: PubMed 17576681 (cited by Labcorp Genetics (formerly Invitae), Labcorp); PubMed 9536098 (cited by Labcorp Genetics (formerly Invitae), Labcorp).

NM_001099922.3(ALG13):c.2695+4G>A

Gene: ALG13 (ALG13 UDP-N-acetylglucosaminyltransferase subunit; plus strand). Cytogenetic location: Xq23.
Variant type: single nucleotide variant.
Coding change: c.2695+4G>A on transcript NM_001099922.3 (MANE Select); 4 bases into the intron after coding-DNA position 2695, G replaced by A.
Molecular consequence: intron variant.
Genome position (GRCh38, 1-based): chrX:111,736,883, G>A. VCF-style: chrX-111736883-G-A. GRCh37 (hg19) VCF-style: chrX-110980111-G-A.
Other names: c.2383+4G>A (NM_001257237.2, NM_001257234.2, NM_001257230.2); c.2209+4G>A (NM_001324293.1); c.2461+4G>A (NM_001257231.2); c.2695+4G>A (NM_001324292.2).
Identifiers: ClinVar variation 4708589 (VCV004708589.2).